The following is an entry in ClinVar:

NM_004136.4(IREB2):c.551G>A (p.Gly184Asp)

Gene: IREB2 (iron responsive element binding protein 2; plus strand). Cytogenetic location: 15q25.1.
Variant type: single nucleotide variant.
Coding change: c.551G>A on transcript NM_004136.4 (MANE Select); coding-DNA position 551, G replaced by A.
Protein change: p.Gly184Asp; replaces glycine 184 with aspartic acid.
Molecular consequence: missense variant. On other transcripts: 5 prime UTR variant (1).
Genome position (GRCh38, 1-based): chr15:78,466,411, G>A. VCF-style: chr15-78466411-G-A. GRCh37 (hg19) VCF-style: chr15-78758753-G-A.
Other names: c.551G>A (NM_004136.2); c.-130G>A (NM_001320941.2); c.380G>A, p.Gly127Asp (NM_001320942.2, NM_001354994.2); c.551G>A, p.Gly184Asp (NM_001320943.2); short protein forms G127D, G184D.
Identifiers: ClinVar variation 1899710 (VCV001899710.3), dbSNP rs752687698, ClinGen allele CA7682730.
Genomic context (GRCh38, chr15:78,466,411, plus strand): 5'-AGAAGCTTCCCTGCAGAGGCCAGACTACCTGCCGAGGATCTTGTGATTCTGGAGAACTAG[G>A]CCGAAACTCAGGAACATTTTCTTCGCAGATTGAGAATACACCCATCCTGTGTCCTTTTCA-3'
Protein context (NP_004127.2, residues 174-194): CRGSCDSGEL[Gly184Asp]RNSGTFSSQI

ClinVar aggregate classification (germline): Uncertain significance. Review status: criteria provided, multiple submitters, no conflicts (2 of 4 stars). 2 submissions from 2 submitters: Uncertain significance (2). Last evaluated 2025-08-12.

Conditions:
Inborn genetic diseases. Identifiers: MedGen C0950123, MeSH D030342.

Allele frequency attached by ClinVar (database versions not stated): gnomAD 0.00001; TOPMed 0.00001; ExAC 0.00002; gnomAD exomes 0.00002.
gnomAD v4.1: 12 of 1,614,038 alleles (0.00074%); highest among the groups gnomAD compares: East Asian, 0.013%; no homozygotes.

Submissions (2):

Ambry Genetics
Classification: Uncertain significance for Inborn genetic diseases. Last evaluated: 2025-08-12. Review status: criteria provided, single submitter. Criteria: Ambry Variant Classification Scheme 2023. Collection method: clinical testing. Allele origin: germline.

Labcorp Genetics (formerly Invitae), Labcorp
Classification: Uncertain significance. Last evaluated: 2022-08-20. Review status: criteria provided, single submitter. Criteria: Invitae Variant Classification Sherloc (09022015). Collection method: clinical testing. Allele origin: germline.
Comment: This sequence change replaces glycine, which is neutral and non-polar, with aspartic acid, which is acidic and polar, at codon 184 of the IREB2 protein (p.Gly184Asp). This variant is present in population databases (rs752687698, gnomAD 0.01%). This variant has not been reported in the literature in individuals affected with IREB2-related conditions. Algorithms developed to predict the effect of missense changes on protein structure and function are either unavailable or do not agree on the potential impact of this missense change (SIFT: "Not Available"; PolyPhen-2: "Benign"; Align-GVGD: "Not Available"). In summary, the available evidence is currently insufficient to determine the role of this variant in disease. Therefore, it has been classified as a Variant of Uncertain Significance.